The following is an entry in ClinVar:

ClinVar aggregate classification (germline): Uncertain significance. Review status: criteria provided, multiple submitters, no conflicts (2 of 4 stars). 6 submissions from 6 submitters: Uncertain significance (4). 2 of the submissions do not count toward it. Last evaluated 2024-01-29.

Conditions:
NDRG1-related disorder. Also called: NDRG1-related condition.
Charcot-Marie-Tooth disease type 4. Also called: Charcot-Marie-Tooth disease, type IV; Charcot-Marie-Tooth, Type 4. Identifiers: Orphanet 64749, MedGen C4082197, MONDO:0018995.
Charcot-Marie-Tooth disease type 4D. Also called: CHARCOT-MARIE-TOOTH DISEASE, DEMYELINATING, TYPE 4D; NEUROPATHY, HEREDITARY MOTOR AND SENSORY, LOM TYPE; CHARCOT-MARIE-TOOTH DISEASE, DEMYELINATING, AUTOSOMAL RECESSIVE, TYPE 4D; Charcot-Marie-Tooth Neuropathy Type 4D. Identifiers: Orphanet 99950, MedGen C1832334, MONDO:0011085, OMIM 601455.
Charcot-Marie-Tooth disease. Also called: Charcot-Marie-Tooth Neuropathy; Charcot-Marie-Tooth Hereditary Neuropathy. Identifiers: Orphanet 166, MedGen C0007959, MONDO:0015626.

Allele frequency attached by ClinVar (database versions not stated): gnomAD exomes 0.00001 and 0.00002; ExAC 0.00004; TOPMed 0.00008; gnomAD 0.00015; 1000 Genomes Project 0.00040; 1000 Genomes Project 30x 0.00062.
gnomAD v4.1: 42 of 1,614,064 alleles (0.0026%); highest among the groups gnomAD compares: African/African-American, 0.028%; no homozygotes.

Submissions (6):

Labcorp Genetics (formerly Invitae), Labcorp
Classification: Uncertain significance for Charcot-Marie-Tooth disease type 4. Last evaluated: 2024-01-29. Review status: criteria provided, single submitter. Criteria: Invitae Variant Classification Sherloc (09022015). Collection method: clinical testing. Allele origin: germline.
Comment: This sequence change replaces glycine, which is neutral and non-polar, with serine, which is neutral and polar, at codon 222 of the NDRG1 protein (p.Gly222Ser). This variant is present in population databases (rs199995009, gnomAD 0.01%). This missense change has been observed in individual(s) with Charcot-Marie-Tooth disease (PMID: 32376792). ClinVar contains an entry for this variant (Variation ID: 362035). Advanced modeling of protein sequence and biophysical properties (such as structural, functional, and spatial information, amino acid conservation, physicochemical variation, residue mobility, and thermodynamic stability) performed at Invitae indicates that this missense variant is not expected to disrupt NDRG1 protein function with a negative predictive value of 80%. In summary, the available evidence is currently insufficient to determine the role of this variant in disease. Therefore, it has been classified as a Variant of Uncertain Significance.

Illumina Laboratory Services, Illumina
Classification: Uncertain significance for Charcot-Marie-Tooth disease type 4D. Last evaluated: 2018-01-12. Review status: criteria provided, single submitter. Criteria: ICSL Variant Classification Criteria 13 December 2019. Collection method: clinical testing. Allele origin: germline.

CeGaT Center for Human Genetics Tuebingen
Classification: Uncertain significance. Last evaluated: 2016-11-01. Review status: criteria provided, single submitter. Criteria: CeGaT Center For Human Genetics Tuebingen Variant Classification Criteria Version 2. Collection method: clinical testing. Allele origin: germline. Affected: yes. Observed: 1 variant allele.

Molecular Genetics Laboratory, London Health Sciences Centre
Classification: Uncertain significance for Charcot-Marie-Tooth disease. Review status: criteria provided, single submitter. Criteria: ACMG Guidelines, 2015. Collection method: clinical testing. Allele origin: germline. Affected: yes.

PreventionGenetics, part of Exact Sciences
Classification: Uncertain significance for NDRG1-related condition. Last evaluated: 2024-08-29. Review status: no assertion criteria provided. Collection method: clinical testing. Allele origin: germline. Not counted in ClinVar's aggregate classification.
Comment: The NDRG1 c.664G>A variant is predicted to result in the amino acid substitution p.Gly222Ser. This variant was reported as a variant of uncertain significance in a large cohort study of individuals with Charcot-Marie-Tooth disease (Supp. Table 2, Volodarsky et al 2021. PubMed ID: 32376792). This variant is reported in 0.012% of alleles in individuals of African descent in gnomAD. At this time, the clinical significance of this variant is uncertain due to the absence of conclusive functional and genetic evidence.

Natera, Inc.
Classification: Uncertain significance for Charcot-Marie-Tooth disease type 4D. Last evaluated: 2020-01-17. Review status: no assertion criteria provided. Collection method: clinical testing. Allele origin: germline. Not counted in ClinVar's aggregate classification.

Literature cited by the submitters: PubMed 32376792 (cited by Labcorp Genetics (formerly Invitae), Labcorp).

NM_006096.4(NDRG1):c.664G>A (p.Gly222Ser)

Gene: NDRG1 (N-myc downstream regulated 1; minus strand). Cytogenetic location: 8q24.22.
Variant type: single nucleotide variant.
Coding change: c.664G>A on transcript NM_006096.4 (MANE Select); coding-DNA position 664, G replaced by A.
Protein change: p.Gly222Ser; replaces glycine 222 with serine.
Molecular consequence: missense variant.
Genome position (GRCh38, 1-based): chr8:133,250,474, C>T on the plus strand (G>A on the coding strand, the complement: NDRG1 is on the minus strand). VCF-style: chr8-133250474-C-T. GRCh37 (hg19) VCF-style: chr8-134262717-C-T.
Other names: c.664G>A, p.Gly222Ser (NM_001135242.2, NM_001374845.1, NM_001374846.1); c.466G>A, p.Gly156Ser (NM_001258432.2, NM_001374847.1); c.421G>A, p.Gly141Ser (NM_001258433.2); c.715G>A, p.Gly239Ser (NM_001374844.1); short protein forms G222S, G156S, G141S, G239S.
Identifiers: ClinVar variation 362035 (VCV000362035.54), dbSNP rs199995009, ClinGen allele CA4886648.